The following is an entry in ClinVar:

NM_173842.3(IL1RN):c.370G>A (p.Ala124Thr)

Gene: IL1RN (interleukin 1 receptor antagonist; plus strand). Cytogenetic location: 2q14.1.
Variant type: single nucleotide variant.
Coding change: c.370G>A on transcript NM_173842.3 (MANE Select); coding-DNA position 370, G replaced by A.
Protein change: p.Ala124Thr; replaces alanine 124 with threonine.
Molecular consequence: missense variant.
Genome position (GRCh38, 1-based): chr2:113,132,707, G>A. VCF-style: chr2-113132707-G-A. GRCh37 (hg19) VCF-style: chr2-113890284-G-A.
Other names: p.Ala124Thr; c.316G>A, p.Ala106Thr (NM_000577.5); c.268G>A, p.Ala90Thr (NM_001318914.2, NM_001379360.1, NM_173843.3); c.379G>A, p.Ala127Thr (NM_173841.3); short protein forms A127T, A106T, A90T, A124T.
Identifiers: ClinVar variation 470170 (VCV000470170.53), dbSNP rs45507693, ClinGen allele CA1838886.

ClinVar aggregate classification (germline): Conflicting classifications of pathogenicity. Review status: criteria provided, conflicting classifications (1 of 4 stars). 9 submissions from 9 submitters: Uncertain significance (1); Benign (5); Likely benign (2). 1 of the submissions does not count toward it. Last evaluated 2026-03-31.

Conditions:
Autoinflammatory syndrome. Identifiers: Orphanet 93665, MedGen C3890737, MONDO:0019751.
Sterile multifocal osteomyelitis with periostitis and pustulosis. Also called: CHRONIC RECURRENT MULTIFOCAL OSTEOMYELITIS 2, WITH PERIOSTITIS AND PUSTULOSIS. Identifiers: Orphanet 210115, MedGen C2748507, MONDO:0013021, OMIM 612852.
IL1RN-related disorder. Also called: IL1RN-related condition.

Allele frequency attached by ClinVar (database versions not stated): ESP Exome Variant Server 0.00092; gnomAD 0.00097 and 0.00125; TOPMed 0.00167; ExAC 0.00300; gnomAD exomes 0.00313; 1000 Genomes Project 30x 0.00453; 1000 Genomes Project 0.00479.
gnomAD v4.1: 2,190 of 1,614,232 alleles (0.14%); highest among the groups gnomAD compares: Middle Eastern, 1.2%; 19 homozygotes.

Submissions (9):

Women's Health and Genetics/Laboratory Corporation of America, LabCorp
Classification: Likely benign. Last evaluated: 2026-03-31. Review status: criteria provided, single submitter. Criteria: LabCorp Variant Classification Summary - May 2015. Collection method: clinical testing. Allele origin: germline.

Labcorp Genetics (formerly Invitae), Labcorp
Classification: Benign for Sterile multifocal osteomyelitis with periostitis and pustulosis. Last evaluated: 2026-01-29. Review status: criteria provided, single submitter. Criteria: Invitae Variant Classification Sherloc (09022015). Collection method: clinical testing. Allele origin: germline.

CeGaT Center for Human Genetics Tuebingen
Classification: Benign. Last evaluated: 2025-07-01. Review status: criteria provided, single submitter. Criteria: CeGaT Center For Human Genetics Tuebingen Variant Classification Criteria Version 2. Collection method: clinical testing. Allele origin: germline. Affected: yes. Observed: 4 variant alleles.
Comment: IL1RN: BP4, BS1, BS2

Blueprint Genetics
Classification: Likely benign. Last evaluated: 2024-11-15. Review status: criteria provided, single submitter. Criteria: ACMG Guidelines, 2015. Collection method: clinical testing. Allele origin: germline.

Genome Diagnostics Laboratory, The Hospital for Sick Children
Classification: Benign for Autoinflammatory syndrome. Last evaluated: 2022-03-09. Review status: criteria provided, single submitter. Criteria: ACMG Guidelines, 2015. Collection method: clinical testing. Allele origin: germline. Affected: yes.

Mayo Clinic Laboratories, Mayo Clinic
Classification: Benign. Last evaluated: 2020-12-02. Review status: criteria provided, single submitter. Criteria: ACMG Guidelines, 2015. Collection method: clinical testing. Allele origin: germline. Observed: 5 variant alleles.

AiLife Diagnostics
Classification: Uncertain significance. Last evaluated: 2020-05-08. Review status: criteria provided, single submitter. Criteria: ACMG Guidelines, 2015. Collection method: clinical testing. Allele origin: germline. Affected: yes. Observed: 1 variant allele.

Illumina Laboratory Services, Illumina
Classification: Benign for Sterile multifocal osteomyelitis with periostitis and pustulosis. Last evaluated: 2017-04-27. Review status: criteria provided, single submitter. Criteria: ICSL Variant Classification Criteria 13 December 2019. Collection method: clinical testing. Allele origin: germline.
Comment: This variant was observed as part of a predisposition screen in an ostensibly healthy population. A literature search was performed for the gene, cDNA change, and amino acid change (where applicable). Publications were found based on this search. The evidence from the literature, in combination with allele frequency data from public databases where available, was sufficient to rule this variant out of causing disease. Therefore, this variant is classified as benign.

PreventionGenetics, part of Exact Sciences
Classification: Benign for IL1RN-related condition. Last evaluated: 2019-06-27. Review status: no assertion criteria provided. Collection method: clinical testing. Allele origin: germline. Not counted in ClinVar's aggregate classification.
Comment: This variant is classified as benign based on ACMG/AMP sequence variant interpretation guidelines (Richards et al. 2015 PMID: 25741868, with internal and published modifications).

Literature cited by the submitters: PubMed 25501066 (cited by AiLife Diagnostics and Illumina Laboratory Services, Illumina); PubMed 24863340 (cited by Illumina Laboratory Services, Illumina); PubMed 16519819 (cited by Illumina Laboratory Services, Illumina); PubMed 20842532 (cited by Illumina Laboratory Services, Illumina); PubMed 28236224 (cited by Illumina Laboratory Services, Illumina).